The following is an entry in ClinVar:

ClinVar aggregate classification (germline): Uncertain significance (1 of 4 stars; one submission).

Allele frequency attached by ClinVar (database versions not stated): gnomAD 0.00001; TOPMed 0.00003.
gnomAD v4.1: 2 of 1,611,364 alleles (0.00012%); highest among the groups gnomAD compares: African/African-American, 0.0013%; no homozygotes.

Submission:

GeneDx
Classification: Uncertain significance. Last evaluated: 2022-08-20. Review status: criteria provided, single submitter. Criteria: GeneDx Variant Classification Process June 2021. Collection method: clinical testing. Allele origin: germline. Affected: yes.
Comment: Not observed at significant frequency in large population cohorts (gnomAD); In silico analysis supports that this missense variant does not alter protein structure/function; Has not been previously published as pathogenic or benign to our knowledge

NM_000303.3(PMM2):c.8C>T (p.Ala3Val)

Gene: PMM2 (phosphomannomutase 2; plus strand). Cytogenetic location: 16p13.2.
Variant type: single nucleotide variant.
Coding change: c.8C>T on transcript NM_000303.3 (MANE Select); coding-DNA position 8, C replaced by T.
Protein change: p.Ala3Val; replaces alanine 3 with valine.
Molecular consequence: missense variant.
Genome position (GRCh38, 1-based): chr16:8,797,890, C>T. VCF-style: chr16-8797890-C-T. GRCh37 (hg19) VCF-style: chr16-8891747-C-T.
Other names: short protein forms A3V.
Identifiers: ClinVar variation 2430513 (VCV002430513.1), dbSNP rs765628536, ClinGen allele CA394694760.